The following is an entry in ClinVar:

NM_002907.4(RECQL):c.949+4A>G

Gene: RECQL (RecQ like helicase; minus strand). Cytogenetic location: 12p12.1.
Variant type: single nucleotide variant.
Coding change: c.949+4A>G on transcript NM_002907.4 (MANE Select); 4 bases into the intron after coding-DNA position 949, A replaced by G.
Molecular consequence: intron variant.
Genome position (GRCh38, 1-based): chr12:21,476,907, T>C on the plus strand (A>G on the coding strand, the complement: RECQL is on the minus strand). VCF-style: chr12-21476907-T-C. GRCh37 (hg19) VCF-style: chr12-21629841-T-C.
Other names: c.949+4A>G (NM_032941.3).
Identifiers: ClinVar variation 1953597 (VCV001953597.5), dbSNP rs2540351530, ClinGen allele CA2580085308.

ClinVar aggregate classification (germline): Uncertain significance (1 of 4 stars; one submission).

Submission:

Labcorp Genetics (formerly Invitae), Labcorp
Classification: Uncertain significance. Last evaluated: 2022-03-06. Review status: criteria provided, single submitter. Criteria: Invitae Variant Classification Sherloc (09022015). Collection method: clinical testing. Allele origin: germline.
Comment: This sequence change falls in intron 8 of the RECQL gene. It does not directly change the encoded amino acid sequence of the RECQL protein. It affects a nucleotide within the consensus splice site. This variant is not present in population databases (gnomAD no frequency). This variant has not been reported in the literature in individuals affected with RECQL-related conditions. Variants that disrupt the consensus splice site are a relatively common cause of aberrant splicing (PMID: 17576681, 9536098). Algorithms developed to predict the effect of sequence changes on RNA splicing suggest that this variant may disrupt the consensus splice site. In summary, the available evidence is currently insufficient to determine the role of this variant in disease. Therefore, it has been classified as a Variant of Uncertain Significance.

Literature cited by the submitters: PubMed 17576681; PubMed 9536098.